The following is an entry in ClinVar:

ClinVar aggregate classification (germline): Uncertain significance (1 of 4 stars; one submission).

Conditions:
Nemaline myopathy 2 (NEM2). Also called: Nemaline myopathy 2, autosomal recessive. Identifiers: MedGen C1850569, MONDO:0009725, OMIM 256030.

Submission:

Labcorp Genetics (formerly Invitae), Labcorp
Classification: Uncertain significance for Nemaline myopathy 2. Last evaluated: 2017-08-25. Review status: criteria provided, single submitter. Criteria: Invitae Variant Classification Sherloc (09022015). Collection method: clinical testing. Allele origin: germline.
Comment: This variant is not present in population databases (ExAC no frequency). In summary, the available evidence is currently insufficient to determine the role of this variant in disease. Therefore, it has been classified as a Variant of Uncertain Significance. Algorithms developed to predict the effect of missense changes on protein structure and function do not agree on the potential impact of this missense change (SIFT: "Deleterious"; Align-GVGD: "Class C0"). This variant has not been reported in the literature in individuals with NEB-related disease. This sequence change replaces glutamic acid with lysine at codon 708 of the NEB protein (p.Glu708Lys). The glutamic acid residue is moderately conserved and there is a small physicochemical difference between glutamic acid and lysine.

NM_001164508.2(NEB):c.2122G>A (p.Glu708Lys)

Gene: NEB (nebulin; minus strand). Cytogenetic location: 2q23.3.
Variant type: single nucleotide variant.
Coding change: c.2122G>A on transcript NM_001164508.2 (MANE Select); coding-DNA position 2122, G replaced by A.
Protein change: p.Glu708Lys; replaces glutamic acid 708 with lysine.
Molecular consequence: missense variant.
Genome position (GRCh38, 1-based): chr2:151,691,953, C>T on the plus strand (G>A on the coding strand, the complement: NEB is on the minus strand). VCF-style: chr2-151691953-C-T. GRCh37 (hg19) VCF-style: chr2-152548467-C-T.
Other names: c.2122G>A, p.Glu708Lys (NM_001164507.2, NM_001271208.2, NM_004543.5); short protein forms E708K.
Identifiers: ClinVar variation 534015 (VCV000534015.8), dbSNP rs1553587676, ClinGen allele CA348823732.